The following is an entry in ClinVar:

NM_000384.3(APOB):c.12627G>A (p.Gly4209=)

Gene: APOB (apolipoprotein B; minus strand). Cytogenetic location: 2p24.1.
Variant type: single nucleotide variant.
Coding change: c.12627G>A on transcript NM_000384.3 (MANE Select); coding-DNA position 12627, G replaced by A.
Protein change: p.Gly4209=; no amino-acid change (glycine 4209 retained).
Molecular consequence: synonymous variant.
Genome position (GRCh38, 1-based): chr2:21,002,795, C>T on the plus strand (G>A on the coding strand, the complement: APOB is on the minus strand). VCF-style: chr2-21002795-C-T. GRCh37 (hg19) VCF-style: chr2-21225667-C-T.
Identifiers: ClinVar variation 922776 (VCV000922776.13), dbSNP rs770408875, ClinGen allele CA050716.

ClinVar aggregate classification (germline): Likely benign. Review status: criteria provided, multiple submitters, no conflicts (2 of 4 stars). 3 submissions from 3 submitters: Likely benign (3). Last evaluated 2024-03-14.

Conditions:
Familial hypobetalipoproteinemia 1. Also called: Hypobetalipoproteinemia, normotriglyceridemic; Acanthocytosis with hypobetalipoproteinemia; APOB-Related Familial Hypobetalipoproteinemia. Identifiers: MedGen C4551990, MONDO:0014252, OMIM 615558.
Hypercholesterolemia, autosomal dominant, type B (FHCL2). Also called: Familial Hypercholesterolemia Type B; HYPERCHOLESTEROLEMIA, FAMILIAL, DUE TO LIGAND-DEFECTIVE APOLIPOPROTEIN B; Familial hypercholesterolemia 2; APOB-Related Familial Hypercholesterolemia, Autosomal Dominant; APOLIPOPROTEIN B-100, FAMILIAL DEFECTIVE; APOLIPOPROTEIN B-100, FAMILIAL LIGAND-DEFECTIVE. Identifiers: MedGen C1704417, MONDO:0007751, OMIM 144010.
Cardiovascular phenotype. Identifiers: MedGen CN230736.
Familial hypercholesterolemia. Also called: Familial hypercholesterolemias; Familial hypercholesterolaemia. Identifiers: MedGen C0020445, MONDO:0005439.

Allele frequency attached by ClinVar (database versions not stated): gnomAD 0.00001; TOPMed 0.00001.

Submissions (3):

Labcorp Genetics (formerly Invitae), Labcorp
Classification: Likely benign for Familial hypobetalipoproteinemia 1; Hypercholesterolemia, autosomal dominant, type B. Last evaluated: 2024-03-14. Review status: criteria provided, single submitter. Criteria: Invitae Variant Classification Sherloc (09022015). Collection method: clinical testing. Allele origin: germline.

GENinCode PLC
Classification: Likely benign for Familial hypercholesterolemia. Last evaluated: 2023-08-07. Review status: criteria provided, single submitter. Criteria: ACMG Guidelines, 2015. Collection method: clinical testing. Allele origin: germline.
Comment: This is a synonymous (silent) variant that is not predicted by SpliceAI to impact splicing. In addition, it occurs at a nucleotide that is not conserved. Therefore this variant has been classified as Likely Benign (BP4, BP7).

Ambry Genetics
Classification: Likely benign for Cardiovascular phenotype. Last evaluated: 2021-08-31. Review status: criteria provided, single submitter. Criteria: Ambry Variant Classification Scheme 2023. Collection method: clinical testing. Allele origin: germline.